The following is an entry in ClinVar:

ClinVar aggregate classification (germline): Likely benign (1 of 4 stars; one submission).

Conditions:
Fanconi anemia complementation group C (FANCC). Also called: FANCONI PANCYTOPENIA, TYPE 3; FACC; Fanconi anemia, group C; FANCC-Related Fanconi Anemia. Identifiers: Orphanet 84, MedGen C3468041, MONDO:0009213, OMIM 227645.

Allele frequency attached by ClinVar (database versions not stated): gnomAD exomes 0.00106; 1000 Genomes Project 0.00359; 1000 Genomes Project 30x 0.00406; gnomAD 0.00461 and 0.00488; TOPMed 0.00518.
gnomAD v4.1: 782 of 232,456 alleles (0.34%); highest among the groups gnomAD compares: African/African-American, 1.6%; 3 homozygotes.

Submission:

Illumina Laboratory Services, Illumina
Classification: Likely benign for Fanconi anemia complementation group C. Last evaluated: 2018-01-13. Review status: criteria provided, single submitter. Criteria: ICSL Variant Classification Criteria 13 December 2019. Collection method: clinical testing. Allele origin: germline.
Comment: This variant was observed in the ICSL laboratory as part of a predisposition screen in an ostensibly healthy population. It had not been previously curated by ICSL or reported in the Human Gene Mutation Database (HGMD: prior to June 1st, 2018), and was therefore a candidate for classification through an automated scoring system. Utilizing variant allele frequency, disease prevalence and penetrance estimates, and inheritance mode, an automated score was calculated to assess if this variant is too frequent to cause the disease. Based on the score and internal cut-off values, a variant classified as likely benign is not then subjected to further curation. The score for this variant resulted in a classification of likely benign for this disease.

NM_000136.3(FANCC):c.*1895T>C

Genes: FANCC (FA complementation group C; minus strand), AOPEP (aminopeptidase O (putative); plus strand). Cytogenetic location: 9q22.32.
Variant type: single nucleotide variant.
Coding change: c.*1895T>C on transcript NM_000136.3 (MANE Select); 1895 bases downstream of the stop codon, T replaced by C.
Molecular consequence: 3 prime UTR variant.
Genome position (GRCh38, 1-based): chr9:95,099,812, A>G on the plus strand (T>C on the coding strand, the complement: FANCC is on the minus strand). VCF-style: chr9-95099812-A-G. GRCh37 (hg19) VCF-style: chr9-97862094-A-G.
Other names: c.*1895T>C (NM_001243743.2).
Identifiers: ClinVar variation 367579 (VCV000367579.5), dbSNP rs56161090, ClinGen allele CA10634496.